The following is an entry in ClinVar:

NM_001083962.2(TCF4):c.1337_1340del (p.Arg446fs)

Gene: TCF4 (transcription factor 4; minus strand). Cytogenetic location: 18q21.2.
Variant type: Deletion.
Coding change: c.1337_1340del on transcript NM_001083962.2 (MANE Select); coding-DNA positions 1337 to 1340, 4 bases deleted (GACA; older notation c.1337_1340delGACA).
Protein change: p.Arg446fs; shifts the reading frame from arginine 446.
Molecular consequence: frameshift variant.
Genome position (GRCh38, 1-based): chr18:55,254,507-55,254,510, TGTC deleted on the plus strand (GACA on the coding strand, the reverse complement: TCF4 is on the minus strand); deleting any 4 consecutive bases within chr18:55,254,507-55,254,513 gives the same sequence; the c. name uses the placement nearest the transcript's 3' end. VCF-style (leftmost placement, unchanged base first): chr18-55254506-ATGTC-A. GRCh37 (hg19) VCF-style: chr18-52921737-ATGTC-A.
Other names: c.1643_1646del, p.Arg548fs (NM_001243226.3); c.1265_1268del, p.Arg422fs (NM_001243227.2, NM_001306207.1, NM_001348217.1 and 5 more transcripts); c.1355_1358del, p.Arg452fs (NM_001243228.2); c.1328_1331del, p.Arg443fs (NM_001243230.2); c.1211_1214del, p.Arg404fs (NM_001243231.2, NM_001348211.2); c.1124_1127del, p.Arg375fs (NM_001243232.1, NM_001306208.1); c.947_950del, p.Arg316fs (NM_001243233.2, NM_001330605.3, NM_001348212.2 and 1 more transcripts); c.857_860del, p.Arg286fs (NM_001243234.2, NM_001243235.2, NM_001243236.2 and 1 more transcripts); and 6 more; short protein forms R286fs, R422fs, R230fs, R421fs, R446fs, R316fs, R404fs, R452fs.
Identifiers: ClinVar variation 2810175 (VCV002810175.3), dbSNP rs2512108021, ClinGen allele CA2739265771.

ClinVar aggregate classification (germline): Pathogenic (1 of 4 stars; one submission).

Conditions:
Pitt-Hopkins syndrome (PTHS). Also called: ENCEPHALOPATHY, SEVERE EPILEPTIC, WITH AUTONOMIC DYSFUNCTION; MENTAL RETARDATION, SYNDROMAL, WITH INTERMITTENT HYPERVENTILATION. Identifiers: Orphanet 2896, MedGen C1970431, MONDO:0012589, OMIM 610954.

Submission:

Labcorp Genetics (formerly Invitae), Labcorp
Classification: Pathogenic for Pitt-Hopkins syndrome. Last evaluated: 2022-11-08. Review status: criteria provided, single submitter. Criteria: Invitae Variant Classification Sherloc (09022015). Collection method: clinical testing. Allele origin: germline.
Comment: For these reasons, this variant has been classified as Pathogenic. This sequence change creates a premature translational stop signal (p.Arg446Ilefs*15) in the TCF4 gene. It is expected to result in an absent or disrupted protein product. Loss-of-function variants in TCF4 are known to be pathogenic (PMID: 18728071, 22045651). This variant is not present in population databases (gnomAD no frequency). This variant has not been reported in the literature in individuals affected with TCF4-related conditions.

Literature cited by the submitters: PubMed 18728071; PubMed 22045651.